The following is an entry in ClinVar:

ClinVar aggregate classification (germline): Uncertain significance (1 of 4 stars; one submission).

Submission:

Labcorp Genetics (formerly Invitae), Labcorp
Classification: Uncertain significance. Last evaluated: 2023-11-19. Review status: criteria provided, single submitter. Criteria: Invitae Variant Classification Sherloc (09022015). Collection method: clinical testing. Allele origin: germline.
Comment: This sequence change replaces serine, which is neutral and polar, with cysteine, which is neutral and slightly polar, at codon 40 of the LETM1 protein (p.Ser40Cys). This variant is not present in population databases (gnomAD no frequency). This variant has not been reported in the literature in individuals affected with LETM1-related conditions. An algorithm developed to predict the effect of missense changes on protein structure and function (PolyPhen-2) suggests that this variant is likely to be disruptive. In summary, the available evidence is currently insufficient to determine the role of this variant in disease. Therefore, it has been classified as a Variant of Uncertain Significance.

NM_012318.3(LETM1):c.118A>T (p.Ser40Cys)

Gene: LETM1 (leucine zipper and EF-hand containing transmembrane protein 1; minus strand). Cytogenetic location: 4p16.3.
Variant type: single nucleotide variant.
Coding change: c.118A>T on transcript NM_012318.3 (MANE Select); coding-DNA position 118, A replaced by T.
Protein change: p.Ser40Cys; replaces serine 40 with cysteine.
Molecular consequence: missense variant.
Genome position (GRCh38, 1-based): chr4:1,849,174, T>A on the plus strand (A>T on the coding strand, the complement: LETM1 is on the minus strand). VCF-style: chr4-1849174-T-A. GRCh37 (hg19) VCF-style: chr4-1850901-T-A.
Other names: short protein forms S40C.
Identifiers: ClinVar variation 2697527 (VCV002697527.3), dbSNP rs2546881261, ClinGen allele CA356013632.